The following is an entry in ClinVar:

NM_017654.4(SAMD9):c.3771A>T (p.Leu1257Phe)

Gene: SAMD9 (sterile alpha motif domain containing 9; minus strand). Cytogenetic location: 7q21.2.
Variant type: single nucleotide variant.
Coding change: c.3771A>T on transcript NM_017654.4 (MANE Select); coding-DNA position 3771, A replaced by T.
Protein change: p.Leu1257Phe; replaces leucine 1257 with phenylalanine.
Molecular consequence: missense variant.
Genome position (GRCh38, 1-based): chr7:93,102,327, T>A on the plus strand (A>T on the coding strand, the complement: SAMD9 is on the minus strand). VCF-style: chr7-93102327-T-A. GRCh37 (hg19) VCF-style: chr7-92731640-T-A.
Other names: c.3771A>T, p.Leu1257Phe (NM_001193307.2); short protein forms L1257F.
Identifiers: ClinVar variation 5028747 (VCV005028747.1).

ClinVar aggregate classification (germline): Uncertain significance (1 of 4 stars; one submission).

Conditions:
Inborn genetic diseases. Identifiers: MedGen C0950123, MeSH D030342.

Submission:

Ambry Genetics
Classification: Uncertain significance for Inborn genetic diseases. Last evaluated: 2026-07-01. Review status: criteria provided, single submitter. Criteria: Ambry Variant Classification Scheme 2023. Collection method: clinical testing. Allele origin: germline.
Comment: The p.L1257F variant (also known as c.3771A>T), located in coding exon 1 of the SAMD9 gene, results from an A to T substitution at nucleotide position 3771. The leucine at codon 1257 is replaced by phenylalanine, an amino acid with highly similar properties. This amino acid position is conserved. In addition, this alteration is predicted to be tolerated by in silico analysis. Based on the available evidence, the clinical significance of this variant remains unclear.